The following is an entry in ClinVar:

NM_000169.3(GLA):c.290C>T (p.Ala97Val)

Genes: GLA (galactosidase alpha; minus strand), RPL36A-HNRNPH2 (RPL36A-HNRNPH2 readthrough; plus strand). Cytogenetic location: Xq22.1.
Variant type: single nucleotide variant.
Coding change: c.290C>T on transcript NM_000169.3 (MANE Select); coding-DNA position 290, C replaced by T.
Protein change: p.Ala97Val; replaces alanine 97 with valine.
Molecular consequence: missense variant. On other transcripts: non-coding transcript variant (3), intron variant (2).
Genome position (GRCh38, 1-based): chrX:101,403,890, G>A on the plus strand (C>T on the coding strand, the complement: GLA is on the minus strand). VCF-style: chrX-101403890-G-A. GRCh37 (hg19) VCF-style: chrX-100658878-G-A.
Other names: c.413C>T, p.Ala138Val (NM_001406747.1, NM_001406749.1); c.290C>T, p.Ala97Val (NM_001406748.1); c.301-8046G>A (NM_001199973.2); c.178-8046G>A (NM_001199974.2); short protein forms A97V, A138V.
Identifiers: ClinVar variation 594176 (VCV000594176.21), dbSNP rs1569304867, ClinGen allele CA413933573.
Genomic context (GRCh38, chrX:101,403,890, plus strand): 5'-ATCCCATGAGGAAAGCGCTGAGGGTCTGCCTGAAGTCTGCCTTCTGAATCTCTTTGGGGA[G>A]CCATCCAACAGTCATCAATGCAGAGGTACTCATAACCTGCATCCTTCCAGCCTTCTGAGA-3'
Protein context (NP_000160.1, residues 87-107): EYLCIDDCWM[Ala97Val]PQRDSEGRLQ

ClinVar aggregate classification (germline): Pathogenic/Likely pathogenic. Review status: criteria provided, multiple submitters, no conflicts (2 of 4 stars). 5 submissions from 5 submitters: Pathogenic (4); Likely pathogenic (1). Last evaluated 2026-09-08.

Conditions:
Fabry disease. Also called: Fabry's disease; Angiokeratoma corporis diffusum; ALPHA-GALACTOSIDASE A DEFICIENCY; ANDERSON-FABRY DISEASE; CERAMIDE TRIHEXOSIDASE DEFICIENCY; GLA DEFICIENCY. Identifiers: Orphanet 324, MedGen C0002986, MONDO:0010526, OMIM 301500, HP:0001071. Disease mechanism: loss of function, Fabry disease is due to inactivating mutations in the X-linked GLA gene resulting in deficiency of the enzyme Alpha Galactosidase-A..

Submissions (5):

Genomenon, Inc
Classification: Likely pathogenic for Fabry disease. Last evaluated: 2026-09-08. Review status: criteria provided, single submitter. Criteria: Genomenon Sequence Variant Interpretation Standards - Updated. Collection method: curation. Allele origin: germline. Affected: yes.
Comment: GLA p.Ala97Val (c.290C>T) is a missense variant that changes the amino acid at codon 97 from Alanine to Valine. This variant has been observed in at least one proband with clinical features consistent with Fabry disease (PMID:15091117;27657681;9100224;27834756;16148726;12911529;28510034;11531969;15713906;27992580). Functional or patient cell studies have been reported (PMID:17532296;21598360;17555407;39704415;20526001;12911529;18698230;31956509;11531969;19387866;11889412;27657681;15713906). The presence of pathogenic/likely pathogenic missense variant(s) at the same amino acid position indicates that this residue is likely important for protein function. It is absent or not present at a significant frequency in gnomAD. In silico models predict that this variant is possibly or probably damaging. In conclusion, we classify GLA p.Ala97Val (c.290C>T) as a likely pathogenic variant.

Labcorp Genetics (formerly Invitae), Labcorp
Classification: Pathogenic for Fabry disease. Last evaluated: 2023-12-30. Review status: criteria provided, single submitter. Criteria: Invitae Variant Classification Sherloc (09022015). Collection method: clinical testing. Allele origin: germline.
Comment: This sequence change replaces alanine, which is neutral and non-polar, with valine, which is neutral and non-polar, at codon 97 of the GLA protein (p.Ala97Val). This variant is not present in population databases (gnomAD no frequency). This missense change has been observed in individual(s) with Fabry disease (PMID: 9100224, 11531969, 12911529, 21598360; Invitae). ClinVar contains an entry for this variant (Variation ID: 594176). Advanced modeling of protein sequence and biophysical properties (such as structural, functional, and spatial information, amino acid conservation, physicochemical variation, residue mobility, and thermodynamic stability) performed at Invitae indicates that this missense variant is not expected to disrupt GLA protein function with a negative predictive value of 80%. Experimental studies have shown that this missense change affects GLA function (PMID: 17532296, 17555407, 21598360). This variant disrupts the p.Ala97 amino acid residue in GLA. Other variant(s) that disrupt this residue have been observed in individuals with GLA-related conditions (PMID: 12207598), which suggests that this may be a clinically significant amino acid residue. For these reasons, this variant has been classified as Pathogenic.

Revvity Omics, Revvity
Classification: Pathogenic. Last evaluated: 2022-02-10. Review status: criteria provided, single submitter. Criteria: ACMG Guidelines, 2015. Collection method: clinical testing. Allele origin: germline.

Genome-Nilou Lab
Classification: Pathogenic for Fabry disease. Last evaluated: 2021-07-15. Review status: criteria provided, single submitter. Criteria: ACMG Guidelines, 2015. Collection method: clinical testing. Allele origin: germline. Affected: no.

Eurofins Ntd Llc (ga)
Classification: Pathogenic. Last evaluated: 2018-05-08. Review status: criteria provided, single submitter. Criteria: EGL ClinVar v180209 classification definitions. Collection method: clinical testing. Allele origin: germline. Observed: 3 variant alleles, 2 heterozygotes, 1 hemizygote.

Literature cited by the submitters: PubMed 15091117 (cited by Genomenon, Inc); PubMed 27657681 (cited by Genomenon, Inc); PubMed 9100224 (cited by Genomenon, Inc and Labcorp Genetics (formerly Invitae), Labcorp); PubMed 27834756 (cited by Genomenon, Inc); PubMed 16148726 (cited by Genomenon, Inc); PubMed 12911529 (cited by Genomenon, Inc and Labcorp Genetics (formerly Invitae), Labcorp); PubMed 28510034 (cited by Genomenon, Inc); PubMed 11531969 (cited by Genomenon, Inc and Labcorp Genetics (formerly Invitae), Labcorp); PubMed 15713906 (cited by Genomenon, Inc); PubMed 27992580 (cited by Genomenon, Inc); PubMed 17532296 (cited by Genomenon, Inc and Labcorp Genetics (formerly Invitae), Labcorp); PubMed 21598360 (cited by Genomenon, Inc and Labcorp Genetics (formerly Invitae), Labcorp); PubMed 17555407 (cited by Genomenon, Inc and Labcorp Genetics (formerly Invitae), Labcorp); PubMed 39704415 (cited by Genomenon, Inc); PubMed 20526001 (cited by Genomenon, Inc); PubMed 18698230 (cited by Genomenon, Inc); PubMed 31956509 (cited by Genomenon, Inc); PubMed 19387866 (cited by Genomenon, Inc); PubMed 11889412 (cited by Genomenon, Inc); PubMed 12207598 (cited by Labcorp Genetics (formerly Invitae), Labcorp).